The following is an entry in ClinVar:

ClinVar aggregate classification (germline): Uncertain significance (1 of 4 stars; one submission).

Conditions:
Hereditary spastic paraplegia 30. Identifiers: Orphanet 101010, MedGen C5235139, MONDO:0012476.
Neuropathy, hereditary sensory, type 2C. Also called: Hereditary sensory and autonomic neuropathy type IIC; KIF1A-Related HSAN2 (HSAN2C). Identifiers: Orphanet 970, MedGen C3280168, MONDO:0013634, OMIM 614213.
Intellectual disability, autosomal dominant 9 (NESCAVS). Also called: NESCAV SYNDROME; KIF1A-Related Neurodevelopmental Disorder. Identifiers: Orphanet 662367, MedGen C5393830, MONDO:0013656, OMIM 614255.

Allele frequency attached by ClinVar (database versions not stated): TOPMed below 0.00001; gnomAD 0.00001.
gnomAD v4.1: 1 of 1,609,310 alleles (0.000062%); highest among the groups gnomAD compares: Non-Finnish European, 0.000085%; no homozygotes.

Submission:

Labcorp Genetics (formerly Invitae), Labcorp
Classification: Uncertain significance for Hereditary spastic paraplegia 30; Neuropathy, hereditary sensory, type 2C; Intellectual disability, autosomal dominant 9. Last evaluated: 2024-04-25. Review status: criteria provided, single submitter. Criteria: Invitae Variant Classification Sherloc (09022015). Collection method: clinical testing. Allele origin: germline.
Comment: This sequence change replaces leucine, which is neutral and non-polar, with valine, which is neutral and non-polar, at codon 1307 of the KIF1A protein (p.Leu1307Val). This variant is not present in population databases (gnomAD no frequency). This variant has not been reported in the literature in individuals affected with KIF1A-related conditions. ClinVar contains an entry for this variant (Variation ID: 1991713). Advanced modeling of protein sequence and biophysical properties (such as structural, functional, and spatial information, amino acid conservation, physicochemical variation, residue mobility, and thermodynamic stability) performed at Invitae indicates that this missense variant is not expected to disrupt KIF1A protein function with a negative predictive value of 95%. In summary, the available evidence is currently insufficient to determine the role of this variant in disease. Therefore, it has been classified as a Variant of Uncertain Significance.

NM_001244008.2(KIF1A):c.4222C>G (p.Leu1408Val)

Gene: KIF1A (kinesin family member 1A; minus strand). Cytogenetic location: 2q37.3.
Variant type: single nucleotide variant.
Coding change: c.4222C>G on transcript NM_001244008.2 (MANE Select); coding-DNA position 4222, C replaced by G.
Protein change: p.Leu1408Val; replaces leucine 1408 with valine.
Molecular consequence: missense variant.
Genome position (GRCh38, 1-based): chr2:240,725,305, G>C on the plus strand (C>G on the coding strand, the complement: KIF1A is on the minus strand). VCF-style: chr2-240725305-G-C. GRCh37 (hg19) VCF-style: chr2-241664722-G-C.
Other names: c.3946C>G, p.Leu1316Val (NM_001320705.2, NM_001379649.1); c.3973C>G, p.Leu1325Val (NM_001330289.2); c.4021C>G, p.Leu1341Val (NM_001330290.2, NM_001379648.1); c.4297C>G, p.Leu1433Val (NM_001379631.1); c.4198C>G, p.Leu1400Val (NM_001379632.1); c.4195C>G, p.Leu1399Val (NM_001379633.1, NM_001379645.1); c.4048C>G, p.Leu1350Val (NM_001379634.1); c.4045C>G, p.Leu1349Val (NM_001379635.1, NM_001379646.1); and 7 more; short protein forms L1316V, L1408V, L1307V, L1324V, L1341V, L1345V, L1349V, L1350V.
Identifiers: ClinVar variation 1991713 (VCV001991713.4), dbSNP rs1202184921, ClinGen allele CA351306950.